The following is an entry in ClinVar:

ClinVar aggregate classification (germline): Likely benign (0 of 4 stars; one submission).

Conditions:
MAP3K15-related disorder. Also called: MAP3K15-related condition.

Submission:

PreventionGenetics, part of Exact Sciences
Classification: Likely benign for MAP3K15-related condition. Last evaluated: 2019-12-13. Review status: no assertion criteria provided. Collection method: clinical testing. Allele origin: germline.
Comment: This variant is classified as likely benign based on ACMG/AMP sequence variant interpretation guidelines (Richards et al. 2015 PMID: 25741868, with internal and published modifications).

NM_001001671.4(MAP3K15):c.3295-4_3295-3dup

Gene: MAP3K15 (mitogen-activated protein kinase kinase kinase 15; minus strand). Cytogenetic location: Xp22.12.
Variant type: Duplication.
Coding change: c.3295-4_3295-3dup on transcript NM_001001671.4 (MANE Select); 4 bases into the intron before coding-DNA position 3295 through 3 bases into the intron before coding-DNA position 3295, 2 bases duplicated (TT; older notation c.3295-4_3295-3dupTT).
Molecular consequence: intron variant.
Genome position (GRCh38, 1-based): chrX:19,371,067-19,371,068, AA duplicated on the plus strand (TT on the coding strand, the reverse complement: MAP3K15 is on the minus strand); duplicating any 2 consecutive bases within chrX:19,371,067-19,371,080 gives the same sequence; the c. name uses the placement nearest the transcript's 3' end. VCF-style (leftmost placement, unchanged base first): chrX-19371066-T-TAA. GRCh37 (hg19) VCF-style: chrX-19389184-T-TAA.
Identifiers: ClinVar variation 3048204 (VCV003048204.2), dbSNP rs372545551, ClinGen allele CA10363481.
Genomic context (GRCh38, chrX:19,371,066, plus strand): 5'-TTGTCCATCGCGAACATCCAGTGGGGCCTAATTAAGTGGTTCCTCAAAATTTTATTTACC[T>TAA]AAAAAAAAAAAAAATAATAAAATAAACTAAAATCACAAAAATCCAGATTTCCAGTGCATT-3'